The following is an entry in ClinVar:

ClinVar aggregate classification (germline): Uncertain significance. Review status: criteria provided, multiple submitters, no conflicts (2 of 4 stars). 2 submissions from 2 submitters: Uncertain significance (2). Last evaluated 2024-04-15.

Conditions:
Familial hypocalciuric hypercalcemia 1. Also called: Hypercalcemia, familial benign type 1. Identifiers: Orphanet 405, Orphanet 93372, MedGen C0342637, MONDO:0007791, OMIM 145980.
Neonatal severe primary hyperparathyroidism. Identifiers: Orphanet 417, MedGen C1832615, MONDO:0009397, OMIM 239200.
Autosomal dominant hypocalcemia 1 (HYPOC1). Also called: HYPOCALCEMIA, FAMILIAL. Identifiers: MedGen C3715128, MONDO:0011013, OMIM 601198.
Epilepsy, idiopathic generalized, susceptibility to, 8. Identifiers: MedGen C2752062, MONDO:0013032, OMIM 612899.
Familial hypocalciuric hypercalcemia (FHH). Also called: Familial benign hypercalcemia. Identifiers: Orphanet 405, MedGen C1809471, MONDO:0018458.

Submissions (2):

Labcorp Genetics (formerly Invitae), Labcorp
Classification: Uncertain significance for Familial hypocalciuric hypercalcemia; Autosomal dominant hypocalcemia 1. Last evaluated: 2024-04-15. Review status: criteria provided, single submitter. Criteria: Invitae Variant Classification Sherloc (09022015). Collection method: clinical testing. Allele origin: germline.
Comment: This sequence change replaces lysine, which is basic and polar, with arginine, which is basic and polar, at codon 882 of the CASR protein (p.Lys882Arg). This variant is not present in population databases (gnomAD no frequency). This variant has not been reported in the literature in individuals affected with CASR-related conditions. ClinVar contains an entry for this variant (Variation ID: 463933). An algorithm developed to predict the effect of missense changes on protein structure and function (PolyPhen-2) suggests that this variant is likely to be tolerated. In summary, the available evidence is currently insufficient to determine the role of this variant in disease. Therefore, it has been classified as a Variant of Uncertain Significance.

Fulgent Genetics
Classification: Uncertain significance for Familial hypocalciuric hypercalcemia 1; Neonatal severe primary hyperparathyroidism; Autosomal dominant hypocalcemia 1; Epilepsy, idiopathic generalized, susceptibility to, 8. Last evaluated: 2024-01-31. Review status: criteria provided, single submitter. Criteria: ACMG Guidelines, 2015. Collection method: clinical testing. Allele origin: germline.

NM_000388.4(CASR):c.2645A>G (p.Lys882Arg)

Gene: CASR (calcium sensing receptor; plus strand). Cytogenetic location: 3q21.1.
Variant type: single nucleotide variant.
Coding change: c.2645A>G on transcript NM_000388.4 (MANE Select); coding-DNA position 2645, A replaced by G.
Protein change: p.Lys882Arg; replaces lysine 882 with arginine.
Molecular consequence: missense variant.
Genome position (GRCh38, 1-based): chr3:122,284,599, A>G. VCF-style: chr3-122284599-A-G. GRCh37 (hg19) VCF-style: chr3-122003446-A-G.
Other names: c.2675A>G, p.Lys892Arg (NM_001178065.2); short protein forms K882R, K892R.
Identifiers: ClinVar variation 463933 (VCV000463933.11), dbSNP rs1553769162, ClinGen allele CA354160479.
Genomic context (GRCh38, chr3:122,284,599, plus strand): 5'-TCAAGCCATCCCGCAACACCATCGAGGAGGTGCGTTGCAGCACCGCAGCTCACGCTTTCA[A>G]GGTGGCTGCCCGGGCCACGCTGCGCCGCAGCAACGTCTCCCGCAAGCGGTCCAGCAGCCT-3'
Protein context (NP_000379.3, residues 872-892): VRCSTAAHAF[Lys882Arg]VAARATLRRS